The following is an entry in ClinVar:

NM_030665.4(RAI1):c.2947G>A (p.Glu983Lys)

Gene: RAI1 (retinoic acid induced 1; plus strand). Cytogenetic location: 17p11.2.
Variant type: single nucleotide variant.
Coding change: c.2947G>A on transcript NM_030665.4 (MANE Select); coding-DNA position 2947, G replaced by A.
Protein change: p.Glu983Lys; replaces glutamic acid 983 with lysine.
Molecular consequence: missense variant.
Genome position (GRCh38, 1-based): chr17:17,795,895, G>A. VCF-style: chr17-17795895-G-A. GRCh37 (hg19) VCF-style: chr17-17699209-G-A.
Other names: short protein forms E983K.
Identifiers: ClinVar variation 1210625 (VCV001210625.13), dbSNP rs772512478, ClinGen allele CA8418640.

ClinVar aggregate classification (germline): Conflicting classifications of pathogenicity. Review status: criteria provided, conflicting classifications (1 of 4 stars). 4 submissions from 4 submitters: Uncertain significance (1); Benign (1); Likely benign (1). 1 of the submissions does not count toward it. Last evaluated 2024-11-05.

Conditions:
RAI1-related disorder. Also called: RAI1-related condition.
Inborn genetic diseases. Identifiers: MedGen C0950123, MeSH D030342.

Allele frequency attached by ClinVar (database versions not stated): gnomAD 0.00003 and 0.00004; gnomAD exomes 0.00004 and 0.00005; TOPMed 0.00004; ExAC 0.00005.
gnomAD v4.1: 74 of 1,611,580 alleles (0.0046%); highest among the groups gnomAD compares: East Asian, 0.025%; no homozygotes.

Submissions (4):

Labcorp Genetics (formerly Invitae), Labcorp
Classification: Uncertain significance. Last evaluated: 2024-11-05. Review status: criteria provided, single submitter. Criteria: Invitae Variant Classification Sherloc (09022015). Collection method: clinical testing. Allele origin: germline.
Comment: This sequence change replaces glutamic acid, which is acidic and polar, with lysine, which is basic and polar, at codon 983 of the RAI1 protein (p.Glu983Lys). This variant is present in population databases (rs772512478, gnomAD 0.06%), and has an allele count higher than expected for a pathogenic variant. This variant has not been reported in the literature in individuals affected with RAI1-related conditions. ClinVar contains an entry for this variant (Variation ID: 1210625). Invitae Evidence Modeling of protein sequence and biophysical properties (such as structural, functional, and spatial information, amino acid conservation, physicochemical variation, residue mobility, and thermodynamic stability) indicates that this missense variant is expected to disrupt RAI1 protein function with a positive predictive value of 80%. In summary, the available evidence is currently insufficient to determine the role of this variant in disease. Therefore, it has been classified as a Variant of Uncertain Significance.

GeneDx
Classification: Likely benign. Last evaluated: 2020-03-29. Review status: criteria provided, single submitter. Criteria: GeneDx Variant Classification Process June 2021. Collection method: clinical testing. Allele origin: germline. Affected: yes.

Ambry Genetics
Classification: Benign for Inborn genetic diseases. Last evaluated: 2019-08-30. Review status: criteria provided, single submitter. Criteria: Ambry Variant Classification Scheme 2023. Collection method: clinical testing. Allele origin: germline.

PreventionGenetics, part of Exact Sciences
Classification: Likely benign for RAI1-related condition. Last evaluated: 2020-01-21. Review status: no assertion criteria provided. Collection method: clinical testing. Allele origin: germline. Not counted in ClinVar's aggregate classification.
Comment: This variant is classified as likely benign based on ACMG/AMP sequence variant interpretation guidelines (Richards et al. 2015 PMID: 25741868, with internal and published modifications).